The following is an entry in ClinVar:

NM_000053.4(ATP7B):c.778dup (p.Gln260fs)

Gene: ATP7B (ATPase copper transporting beta; minus strand). Cytogenetic location: 13q14.3.
Variant type: Duplication.
Coding change: c.778dup on transcript NM_000053.4 (MANE Select); coding-DNA position 778, one base duplicated (C; older notation c.778dupC).
Protein change: p.Gln260fs; shifts the reading frame from glutamine 260.
Molecular consequence: frameshift variant.
Genome position (GRCh38, 1-based): chr13:51,974,442, G duplicated on the plus strand (C on the coding strand, the reverse complement: ATP7B is on the minus strand); the first of 2 consecutive G bases (chr13:51,974,442-51,974,443); duplicating either gives the same sequence. VCF-style (leftmost placement, unchanged base first): chr13-51974441-T-TG. GRCh37 (hg19) VCF-style: chr13-52548577-T-TG.
Other names: c.778dupC (NM_000053.3, NM_000053.4); c.778dup, p.Gln260fs (NM_001005918.3, NM_001243182.2, NM_001330578.2 and 1 more transcripts); short protein forms Q260fs.
Identifiers: ClinVar variation 188938 (VCV000188938.64), dbSNP rs786204570, ClinGen allele CA274157.

ClinVar aggregate classification (germline): Pathogenic/Likely pathogenic. Review status: criteria provided, multiple submitters, no conflicts (2 of 4 stars). 14 submissions from 14 submitters: Pathogenic (10); Likely pathogenic (2). 2 of the submissions do not count toward it. Last evaluated 2026-07-08.

Conditions:
ATP7B-related disorder. Also called: ATP7B-related condition.
Wilson disease (WND). Also called: Wilson's disease. Identifiers: Orphanet 905, MedGen C0019202, MONDO:0010200, OMIM 277900. Disease mechanism: loss of function.

Submissions (14):

PreventionGenetics, part of Exact Sciences
Classification: Pathogenic for ATP7B-related condition. Last evaluated: 2026-07-08. Review status: criteria provided, single submitter. Criteria: ACMG Guidelines, 2015. Collection method: clinical testing. Allele origin: germline.
Comment: The ATP7B c.778dupC variant is predicted to result in a frameshift and premature protein termination (p.Gln260Profs*10). This variant has been reported to be causative for Wilson disease (Loudianos et al. 2000. PubMed ID: 11216666; Manolaki et al. 2009. PubMed ID: 19172127; Genschel et al. 2000. PubMed ID: 10980554). In summary, we interpret this variant as pathogenic.

CeGaT Center for Human Genetics Tuebingen
Classification: Pathogenic. Last evaluated: 2026-03-01. Review status: criteria provided, single submitter. Criteria: CeGaT Center For Human Genetics Tuebingen Variant Classification Criteria Version 2. Collection method: clinical testing. Allele origin: germline. Affected: yes. Observed: 10 variant alleles.
Comment: ATP7B: PVS1, PM3:Strong, PM2

GeneDx
Classification: Pathogenic. Last evaluated: 2025-11-12. Review status: criteria provided, single submitter. Criteria: GeneDx Variant Classification Process June 2021. Collection method: clinical testing. Allele origin: germline. Affected: yes.
Comment: Reported previously in a patient with presumed chronic liver disease who also harbored a second pathogenic variant (phase unknown); however, no further clinical information was provided and the authors stated that further workup was needed (PMID: 38057357); Reported previously, using alternate nomenclature, in a patient with Wilson disease who also harbored other variants in cis and in unknown phase (PMID: 11216666); Frameshift variant predicted to result in protein truncation or nonsense mediated decay in a gene for which loss of function is a known mechanism of disease; Not observed at significant frequency in large population cohorts (gnomAD); This variant is associated with the following publications: (PMID: 34400371, 11216666, 19172127, 10980554, 20082719, 38057357)

Natera, Inc.
Classification: Pathogenic for Wilson disease. Last evaluated: 2025-10-02. Review status: criteria provided, single submitter. Criteria: Natera Variant Classification Schema (03/2026). Collection method: clinical testing. Allele origin: germline.
Comment: The c.778dupC variant in ATP7B is a frameshift variant predicted to shift the reading frame beginning at codon 260 and leads to a stop codon 10 codons downstream. This variant is expected to result in nonsense mediated decay, truncation, or a dysfunctional protein product. This variant is rare in the general population with a frequency below the threshold expected for the associated phenotype(s). This variant has been observed in one or more individuals affected with the associated recessive disease, as either homozygous or compound heterozygous with a second variant (PMID: 23518715). This variant has been found together with another disease-causing variant in the same copy of the gene (PMID: 34400371). Given the available evidence, this variant is classified as Pathogenic.

Labcorp Genetics (formerly Invitae), Labcorp
Classification: Pathogenic for Wilson disease. Last evaluated: 2024-08-16. Review status: criteria provided, single submitter. Criteria: Invitae Variant Classification Sherloc (09022015). Collection method: clinical testing. Allele origin: germline.
Comment: This sequence change creates a premature translational stop signal (p.Gln260Profs*10) in the ATP7B gene. It is expected to result in an absent or disrupted protein product. Loss-of-function variants in ATP7B are known to be pathogenic (PMID: 10441329, 16283883). This variant is present in population databases (rs786204570, gnomAD 0.0009%). This premature translational stop signal has been observed in individual(s) with Wilson disease (PMID: 10980554, 11216666, 19172127, 20082719). This variant is also known as 777insC, 778insC, or 779insC. ClinVar contains an entry for this variant (Variation ID: 188938). For these reasons, this variant has been classified as Pathogenic.

All of Us Research Program, National Institutes of Health
Classification: Pathogenic for Wilson disease. Last evaluated: 2024-07-29. Review status: criteria provided, single submitter. Criteria: ACMG Guidelines, 2015. Collection method: clinical testing. Allele origin: germline. Inheritance: Autosomal recessive inheritance. Observed: 4 variant alleles, 3 heterozygotes, 1 compound heterozygote.
Comment: This variant inserts 1 nucleotide in exon 2 of the ATP7B gene, creating a frameshift and premature translation stop signal. This variant is also known as c.778insC and c.779insC in the literature. This variant is expected to result in an absent or non-functional protein product. This variant has been reported in multiple individuals affected with Wilson disease (PMID: 10980554, 11216666, 20082719, 23518715). Two of these individuals carried both ATP7B p.Lys175Serfs*28 and ATP7B p.Arg778Gly variants in combination with this variant (PMID: 27935710). This variant has been identified in 1/248652 chromosomes in the general population by the Genome Aggregation Database (gnomAD). Loss of ATP7B function is a known mechanism of disease. Based on the available evidence, this variant is classified as Pathogenic.

This study involves interpretation of variants in research participants for the purpose of population health screening. Participant phenotype was not available at the time of variant classification. Additional details can be found in publication PMID: 35346344, PMCID: PMC8962531

Color Diagnostics, LLC DBA Color Health
Classification: Pathogenic for Wilson disease. Last evaluated: 2024-04-22. Review status: criteria provided, single submitter. Criteria: ACMG Guidelines, 2015. Collection method: clinical testing. Allele origin: germline.
Comment: This variant inserts 1 nucleotide in exon 2 of the ATP7B gene, creating a frameshift and premature translation stop signal. This variant is also known as c.778insC and c.779insC in the literature. This variant is expected to result in an absent or non-functional protein product. This variant has been reported in multiple individuals affected with Wilson disease (PMID: 10980554, 11216666, 20082719, 23518715). Two of these individuals carried both ATP7B p.Lys175Serfs*28 and ATP7B p.Arg778Gly variants in combination with this variant (PMID: 27935710). This variant has been identified in 1/248652 chromosomes in the general population by the Genome Aggregation Database (gnomAD). Loss of ATP7B function is a known mechanism of disease. Based on the available evidence, this variant is classified as Pathogenic.

Greenwood Genetic Center Diagnostic Laboratories, Greenwood Genetic Center
Classification: Likely pathogenic for Wilson disease. Last evaluated: 2023-08-23. Review status: criteria provided, single submitter. Criteria: ACMG Guidelines, 2015. Collection method: clinical testing. Allele origin: germline. Affected: yes.
Comment: PVS1, PM2

Mayo Clinic Laboratories, Mayo Clinic
Classification: Likely pathogenic. Last evaluated: 2021-11-08. Review status: criteria provided, single submitter. Criteria: ACMG Guidelines, 2015. Collection method: clinical testing. Allele origin: germline.
Comment: PM2, PVS1

Fulgent Genetics
Classification: Pathogenic for Wilson disease. Last evaluated: 2021-09-03. Review status: criteria provided, single submitter. Criteria: ACMG Guidelines, 2015. Collection method: clinical testing. Allele origin: unknown.

Genome-Nilou Lab
Classification: Pathogenic for Wilson disease. Last evaluated: 2021-08-10. Review status: criteria provided, single submitter. Criteria: ACMG Guidelines, 2015. Collection method: clinical testing. Allele origin: germline. Affected: no.

Women's Health and Genetics/Laboratory Corporation of America, LabCorp
Classification: Pathogenic for Wilson disease. Last evaluated: 2017-02-14. Review status: criteria provided, single submitter. Criteria: LabCorp Variant Classification Summary - May 2015. Collection method: clinical testing. Allele origin: germline.
Comment: Variant summary: The ATP7B c.778dupC (p.Gln260Profs) variant results in a premature termination codon, predicted to cause a truncated or absent ATP7B protein due to nonsense mediated decay, which are commonly known mechanisms for disease. Truncations downstream of this position have been classified as likely pathogenic/pathogenic by our laboratory (e.g. c.813delC (p.Cys271fs), c.845delT (p.Leu282fs), and c.1145_1151delCCCAACT (p.Ser382fs)). Mutation taster predicts a damaging outcome for this variant. This variant is absent in 120078 control chromosomes, while it was reported in multiple Wilson disease patients indicating pathogenicity. Moreover, HGMD lists several variants affecting the same codon indicating the variant to be located in a mutational hotspot and further supporting pathogenicity. One clinical diagnostic laboratory classified this variant as likely pathogenic. Taken together, this variant is classified as pathogenic.

Counsyl
Classification: Likely pathogenic for Wilson's disease. Last evaluated: 2014-08-26. Review status: no assertion criteria provided. Collection method: literature only. Allele origin: unknown. Inheritance: Autosomal recessive inheritance. Not counted in ClinVar's aggregate classification.

Genomics And Bioinformatics Analysis Resource, Columbia University
Classification: Pathogenic for Wilson disease. Review status: no assertion criteria provided. Collection method: research. Allele origin: unknown. Affected: yes. Not counted in ClinVar's aggregate classification.
Comment: Compound Heterozygous

Literature cited by the submitters: PubMed 23518715 (cited by 3 submitters); PubMed 34400371 (cited by Natera, Inc. and Mayo Clinic Laboratories, Mayo Clinic); PubMed 10441329 (cited by Labcorp Genetics (formerly Invitae), Labcorp); PubMed 16283883 (cited by Labcorp Genetics (formerly Invitae), Labcorp); PubMed 10980554 (cited by 5 submitters); PubMed 11216666 (cited by 6 submitters); PubMed 19172127 (cited by 3 submitters); PubMed 20082719 (cited by 6 submitters); PubMed 27935710 (cited by All of Us Research Program, National Institutes of Health and Color Diagnostics, LLC DBA Color Health).